The following is an entry in ClinVar:

NM_000540.3(RYR1):c.6566A>G (p.Lys2189Arg)

Gene: RYR1 (ryanodine receptor 1; plus strand). Cytogenetic location: 19q13.2.
Variant type: single nucleotide variant.
Coding change: c.6566A>G on transcript NM_000540.3 (MANE Select); coding-DNA position 6566, A replaced by G.
Protein change: p.Lys2189Arg; replaces lysine 2189 with arginine.
Molecular consequence: missense variant.
Genome position (GRCh38, 1-based): chr19:38,496,232, A>G. VCF-style: chr19-38496232-A-G. GRCh37 (hg19) VCF-style: chr19-38986872-A-G.
Other names: c.6566A>G, p.Lys2189Arg (NM_001042723.2); short protein forms K2189R.
Identifiers: ClinVar variation 3777599 (VCV003777599.1).
Genomic context (GRCh38, chr19:38,496,232, plus strand): 5'-GACCTGGGCCCCTGGTGACCCCGCACACTCTGCCCGTGCACAGGAACATCATGAACAACA[A>G]AGTCTTCTACCAACACCCGAACCTGATGAGGGCGCTGGGCATGCACGAGACGGTCATGGA-3'
Protein context (NP_000531.2, residues 2179-2199): IQSIGNIMNN[Lys2189Arg]VFYQHPNLMR

ClinVar aggregate classification (germline): Uncertain significance (1 of 4 stars; one submission).

Submission:

GeneDx
Classification: Uncertain significance. Last evaluated: 2024-10-10. Review status: criteria provided, single submitter. Criteria: GeneDx Variant Classification Process June 2021. Collection method: clinical testing. Allele origin: germline. Affected: yes.
Comment: Not observed at significant frequency in large population cohorts (gnomAD); In silico analysis indicates that this missense variant does not alter protein structure/function; Has not been previously published as pathogenic or benign to our knowledge; This variant is associated with the following publications: (PMID: 12668474, 33767344)